The following is an entry in ClinVar:

NM_016642.4(SPTBN5):c.659+1G>A

Gene: SPTBN5 (spectrin beta, non-erythrocytic 5; minus strand). Cytogenetic location: 15q15.1.
Variant type: single nucleotide variant.
Coding change: c.659+1G>A on transcript NM_016642.4 (MANE Select); the canonical splice donor site of the intron after coding-DNA position 659, G replaced by A.
Molecular consequence: splice donor variant.
Genome position (GRCh38, 1-based): chr15:41,887,927, C>T on the plus strand (G>A on the coding strand, the complement: SPTBN5 is on the minus strand). VCF-style: chr15-41887927-C-T. GRCh37 (hg19) VCF-style: chr15-42180125-C-T.
Identifiers: ClinVar variation 2636794 (VCV002636794.1), dbSNP rs1013367271, ClinGen allele CA269777695.
Genomic context (GRCh38, chr15:41,887,927, plus strand): 5'-CCCAAACCCAGGAGCTGTTGGCTCAGTGGGCAGAGGCCTCCTGACAAGGGTGGGGTCACA[C>T]CTGTGGGCATGGATGAGGGCATTGAAGCCCAGCCCATCGCTCCAGCTTCGGGAGAAATCT-3'

ClinVar aggregate classification (germline): Uncertain significance (1 of 4 stars; one submission).

Conditions:
SPTBN5-related disorder. Also called: SPTBN5-related condition.

gnomAD v4.1: 3 of 1,608,830 alleles (0.00019%); highest among the groups gnomAD compares: Non-Finnish European, 0.00017%; no homozygotes.

Submission:

PreventionGenetics, part of Exact Sciences
Classification: Uncertain significance for SPTBN5-related condition. Last evaluated: 2023-05-31. Review status: criteria provided, single submitter. Criteria: ACMG Guidelines, 2015. Collection method: clinical testing. Allele origin: germline.
Comment: The SPTBN5 c.659+1G>A variant is predicted to disrupt the GT donor site and interfere with normal splicing. To our knowledge, this variant has not been reported in the literature. This variant is reported in 0.00093% of alleles in individuals of European (Non-Finnish) descent in gnomAD. At this time, the clinical significance of this variant is uncertain due to the absence of conclusive functional and genetic evidence.